The following is an entry in ClinVar:

NM_000321.3(RB1):c.1042A>G (p.Ile348Val)

Gene: RB1 (RB transcriptional corepressor 1; plus strand). Cytogenetic location: 13q14.2.
Variant type: single nucleotide variant.
Coding change: c.1042A>G on transcript NM_000321.3 (MANE Select); coding-DNA position 1042, A replaced by G.
Protein change: p.Ile348Val; replaces isoleucine 348 with valine.
Molecular consequence: missense variant.
Genome position (GRCh38, 1-based): chr13:48,367,596, A>G. VCF-style: chr13-48367596-A-G. GRCh37 (hg19) VCF-style: chr13-48941732-A-G.
Other names: c.1042A>G, p.Ile348Val (NM_001407165.1, NM_001407166.1); short protein forms I348V.
Identifiers: ClinVar variation 3313067 (VCV003313067.2).

ClinVar aggregate classification (germline): Conflicting classifications of pathogenicity. Review status: criteria provided, conflicting classifications (1 of 4 stars). 2 submissions from 2 submitters: Uncertain significance (1); Likely benign (1). Last evaluated 2025-10-16.

Conditions:
Retinoblastoma (RB1). Also called: RETINOBLASTOMA, SOMATIC. Identifiers: Orphanet 790, MedGen C0035335, MeSH D012175, MONDO:0008380, OMIM 180200, HP:0009919. Disease mechanism: loss of function. Inheritance: Both sporadic and heritable forms are tested..
Hereditary cancer-predisposing syndrome. Also called: Neoplastic Syndromes, Hereditary; Tumor predisposition; Hereditary neoplastic syndrome; Hereditary Cancer Syndrome. Identifiers: Orphanet 140162, MedGen C0027672, MeSH D009386, MONDO:0015356.

gnomAD v4.1: 2 of 1,603,484 alleles (0.00012%); highest among the groups gnomAD compares: Non-Finnish European, 0.00017%; no homozygotes.

Submissions (2):

Labcorp Genetics (formerly Invitae), Labcorp
Classification: Uncertain significance for Retinoblastoma. Last evaluated: 2025-10-16. Review status: criteria provided, single submitter. Criteria: Invitae Variant Classification Sherloc (09022015). Collection method: clinical testing. Allele origin: germline.
Comment: This sequence change replaces isoleucine, which is neutral and non-polar, with valine, which is neutral and non-polar, at codon 348 of the RB1 protein (p.Ile348Val). This variant is present in population databases (rs780772793, gnomAD 0.002%). This variant has not been reported in the literature in individuals affected with RB1-related conditions. ClinVar contains an entry for this variant (Variation ID: 3313067). Invitae Evidence Modeling of protein sequence and biophysical properties (such as structural, functional, and spatial information, amino acid conservation, physicochemical variation, residue mobility, and thermodynamic stability) indicates that this missense variant is not expected to disrupt RB1 protein function with a negative predictive value of 80%. In summary, the available evidence is currently insufficient to determine the role of this variant in disease. Therefore, it has been classified as a Variant of Uncertain Significance.

Ambry Genetics
Classification: Likely benign for Hereditary cancer-predisposing syndrome. Last evaluated: 2024-06-20. Review status: criteria provided, single submitter. Criteria: Ambry Variant Classification Scheme 2023. Collection method: clinical testing. Allele origin: germline.